The following is an entry in ClinVar:

NM_004727.3(SLC24A1):c.1619T>C (p.Ile540Thr)

Gene: SLC24A1 (solute carrier family 24 member 1; plus strand). Cytogenetic location: 15q22.31.
Variant type: single nucleotide variant.
Coding change: c.1619T>C on transcript NM_004727.3 (MANE Select); coding-DNA position 1619, T replaced by C.
Protein change: p.Ile540Thr; replaces isoleucine 540 with threonine.
Molecular consequence: missense variant.
Genome position (GRCh38, 1-based): chr15:65,625,699, T>C. VCF-style: chr15-65625699-T-C. GRCh37 (hg19) VCF-style: chr15-65918037-T-C.
Other names: c.1619T>C, p.Ile540Thr (NM_001301031.1, NM_001301032.1, NM_001301033.2); short protein forms I540T.
Identifiers: ClinVar variation 1511022 (VCV001511022.8), dbSNP rs1435473131, ClinGen allele CA392918095.
Genomic context (GRCh38, chr15:65,625,699, plus strand): 5'-ACAGCAACGTGGGCATTGGTACCATTGTGGGCTCTGCTGTGTTCAACATTCTCTTTGTCA[T>C]TGGCACTTGTTCCCTCTTCTCCCGAGAGATCCTCAACCTCACCTGGTGGCCCTTATTCCG-3'
Protein context (NP_004718.1, residues 530-550): GSAVFNILFV[Ile540Thr]GTCSLFSREI

ClinVar aggregate classification (germline): Uncertain significance (1 of 4 stars; one submission).

Submission:

Labcorp Genetics (formerly Invitae), Labcorp
Classification: Uncertain significance. Last evaluated: 2021-08-05. Review status: criteria provided, single submitter. Criteria: Invitae Variant Classification Sherloc (09022015). Collection method: clinical testing. Allele origin: germline.
Comment: This sequence change replaces isoleucine with threonine at codon 540 of the SLC24A1 protein (p.Ile540Thr). The isoleucine residue is highly conserved and there is a moderate physicochemical difference between isoleucine and threonine. This variant is not present in population databases (ExAC no frequency). This variant has not been reported in the literature in individuals with SLC24A1-related conditions. Algorithms developed to predict the effect of missense changes on protein structure and function are either unavailable or do not agree on the potential impact of this missense change (SIFT: "Deleterious"; PolyPhen-2: "Possibly Damaging"; Align-GVGD: "Class C0"). In summary, the available evidence is currently insufficient to determine the role of this variant in disease. Therefore, it has been classified as a Variant of Uncertain Significance.